The following is an entry in ClinVar:

ClinVar aggregate classification (germline): Benign. Review status: criteria provided, multiple submitters, no conflicts (2 of 4 stars). 3 submissions from 3 submitters: Benign (3). Last evaluated 2018-06-14.

Conditions:
Maturity-onset diabetes of the young (MODY). Also called: Maturity onset diabetes mellitus in young. Identifiers: Orphanet 552, MedGen C0342276, MONDO:0018911, HP:0004904.

Allele frequency attached by ClinVar (database versions not stated): 1000 Genomes Project 0.49920; 1000 Genomes Project 30x 0.50062; TOPMed 0.55702; gnomAD 0.56563 and 0.56736; gnomAD exomes 0.59483.
gnomAD v4.1: 757,260 of 1,280,586 alleles (59%); highest among the groups gnomAD compares: Middle Eastern, 69%; 226,860 homozygotes.

Submissions (3):

GeneDx
Classification: Benign. Last evaluated: 2018-06-14. Review status: criteria provided, single submitter. Criteria: GeneDx Variant Classification (06012015). Collection method: clinical testing. Allele origin: germline. Affected: yes.
Comment: This variant is considered likely benign or benign based on one or more of the following criteria: it is a conservative change, it occurs at a poorly conserved position in the protein, it is predicted to be benign by multiple in silico algorithms, and/or has population frequency not consistent with disease.

Breakthrough Genomics
Classification: Benign. Review status: criteria provided, single submitter. Criteria: ACMG Guidelines, 2015. Collection method: not provided. Allele origin: germline. Inheritance: Autosomal dominant inheritance. Affected: yes.

Clinical Genomics, Uppaluri K&H Personalized Medicine Clinic
Classification: Benign for Maturity-onset diabetes of the young. Review status: criteria provided, single submitter. Criteria: K & H Uppaluri Personalized Medicine Clinic Variant Classification & Assertion Criteria_Updated V.1. Collection method: research. Allele origin: unknown. Inheritance: Autosomal dominant inheritance.
Comment: Potent mutations in HNF4A are associated with poor insulin secretion in response to hyperglycemia. Associated with MODY1. Patients initially respond well to sulfonylureas but eventually become insulin dependent. However, more evidence is required to ascertain the role of this particular variant rs2273618 in MODY, yet.

Literature cited by the submitters: DOI 10.1159/000334532 (cited by Clinical Genomics, Uppaluri K&H Personalized Medicine Clinic); PubMed 18268044 (cited by Clinical Genomics, Uppaluri K&H Personalized Medicine Clinic); PubMed 17563455 (cited by Clinical Genomics, Uppaluri K&H Personalized Medicine Clinic); PubMed 32583173 (cited by Clinical Genomics, Uppaluri K&H Personalized Medicine Clinic); PubMed 35052457 (cited by Clinical Genomics, Uppaluri K&H Personalized Medicine Clinic); PubMed 35118593 (cited by Clinical Genomics, Uppaluri K&H Personalized Medicine Clinic).

NM_175914.5(HNF4A):c.827-88T>C

Gene: HNF4A (hepatocyte nuclear factor 4 alpha; plus strand). Cytogenetic location: 20q13.12.
Variant type: single nucleotide variant.
Coding change: c.827-88T>C on transcript NM_175914.5 (MANE Select); 88 bases into the intron before coding-DNA position 827, T replaced by C.
Molecular consequence: intron variant.
Genome position (GRCh38, 1-based): chr20:44,423,930, T>C. VCF-style: chr20-44423930-T-C. GRCh37 (hg19) VCF-style: chr20-43052570-T-C.
Other names: c.818-88T>C (NM_001287182.2, NM_001287183.2, NM_001287184.2); c.827-88T>C (NM_001030003.3, NM_001030004.3); c.872-88T>C (NM_001258355.2); c.893-88T>C (NM_178849.3, NM_000457.6, NM_178850.3).
Identifiers: ClinVar variation 676882 (VCV000676882.3), dbSNP rs2273618, ClinGen allele CA14757892.